The following is an entry in ClinVar:

ClinVar aggregate classification (germline): Uncertain significance (1 of 4 stars; one submission).

Allele frequency attached by ClinVar (database versions not stated): ExAC 0.00001; gnomAD 0.00001; gnomAD exomes 0.00001; 1000 Genomes Project 0.00020; 1000 Genomes Project 30x 0.00031.
gnomAD v4.1: 9 of 1,613,870 alleles (0.00056%); highest among the groups gnomAD compares: Admixed American, 0.0067%; no homozygotes.

Submission:

Labcorp Genetics (formerly Invitae), Labcorp
Classification: Uncertain significance. Last evaluated: 2025-11-25. Review status: criteria provided, single submitter. Criteria: Invitae Variant Classification Sherloc (09022015). Collection method: clinical testing. Allele origin: germline.
Comment: This sequence change falls in intron 26 of the COL7A1 gene. It does not directly change the encoded amino acid sequence of the COL7A1 protein. It affects a nucleotide within the consensus splice site. This variant is present in population databases (rs200240573, gnomAD 0.0009%). This variant has not been reported in the literature in individuals affected with COL7A1-related conditions. ClinVar contains an entry for this variant (Variation ID: 2139013). Variants that disrupt the consensus splice site are a relatively common cause of aberrant splicing (PMID: 17576681, 9536098). Algorithms developed to predict the effect of sequence changes on RNA splicing suggest that this variant may create or strengthen a splice site. In summary, the available evidence is currently insufficient to determine the role of this variant in disease. Therefore, it has been classified as a Variant of Uncertain Significance.

Literature cited by the submitters: PubMed 17576681; PubMed 9536098.

NM_000094.4(COL7A1):c.3550+4A>C

Gene: COL7A1 (collagen type VII alpha 1 chain; minus strand). Cytogenetic location: 3p21.31.
Variant type: single nucleotide variant.
Coding change: c.3550+4A>C on transcript NM_000094.4 (MANE Select); 4 bases into the intron after coding-DNA position 3550, A replaced by C.
Molecular consequence: intron variant.
Genome position (GRCh38, 1-based): chr3:48,586,328, T>G on the plus strand (A>C on the coding strand, the complement: COL7A1 is on the minus strand). VCF-style: chr3-48586328-T-G. GRCh37 (hg19) VCF-style: chr3-48623761-T-G.
Identifiers: ClinVar variation 2139013 (VCV002139013.3), dbSNP rs200240573, ClinGen allele CA2380494.
Genomic context (GRCh38, chr3:48,586,328, plus strand): 5'-GCATGATAGCCTTTTCAGGGCCACCCCTATTCCCAGACCCCTTCCCCATCAGCCTACTCC[T>G]TACCAGAAGCCTGGGCCTCACGGATGGGGCTGAATATGTCACCTCTCAAGGGTTCATCCA-3'